The following is an entry in ClinVar:

ClinVar aggregate classification (germline): Uncertain significance. Review status: criteria provided, multiple submitters, no conflicts (2 of 4 stars). 5 submissions from 5 submitters: Uncertain significance (5). Last evaluated 2026-01-22.

Conditions:
Inborn genetic diseases. Identifiers: MedGen C0950123, MeSH D030342.
Dermatofibrosis lenticularis disseminata (BOS). Also called: DERMATOFIBROSIS LENTICULARIS DISSEMINATA WITH OSTEOPOIKILOSIS; DERMATOOSTEOPOIKILOSIS; OSTEOPATHIA CONDENSANS DISSEMINATA. Identifiers: Orphanet 1306, MedGen C0265514, MONDO:0008157, OMIM 166700.

Allele frequency attached by ClinVar (database versions not stated): ExAC below 0.00001; TOPMed 0.00010; gnomAD 0.00021.
gnomAD v4.1: 525 of 1,450,092 alleles (0.036%); highest among the groups gnomAD compares: Non-Finnish European, 0.045%; 1 homozygote.

Submissions (5):

Labcorp Genetics (formerly Invitae), Labcorp
Classification: Uncertain significance. Last evaluated: 2026-01-22. Review status: criteria provided, single submitter. Criteria: Invitae Variant Classification Sherloc (09022015). Collection method: clinical testing. Allele origin: germline.
Comment: This sequence change replaces tyrosine, which is neutral and polar, with phenylalanine, which is neutral and non-polar, at codon 100 of the LEMD3 protein (p.Tyr100Phe). This variant is present in population databases (rs768667554, gnomAD 0.03%), and has an allele count higher than expected for a pathogenic variant. This variant has not been reported in the literature in individuals affected with LEMD3-related conditions. ClinVar contains an entry for this variant (Variation ID: 881055). An algorithm developed to predict the effect of missense changes on protein structure and function outputs the following: PolyPhen-2: "Benign". The phenylalanine amino acid residue is found in multiple mammalian species, which suggests that this missense change does not adversely affect protein function. In summary, the available evidence is currently insufficient to determine the role of this variant in disease. Therefore, it has been classified as a Variant of Uncertain Significance.

GeneDx
Classification: Uncertain significance. Last evaluated: 2025-07-17. Review status: criteria provided, single submitter. Criteria: GeneDx Variant Classification Process June 2021. Collection method: clinical testing. Allele origin: germline. Affected: yes.
Comment: In silico analysis suggests that this missense variant does not alter protein structure/function; Has not been previously published as pathogenic or benign to our knowledge

Ambry Genetics
Classification: Uncertain significance for Inborn genetic diseases. Last evaluated: 2024-06-05. Review status: criteria provided, single submitter. Criteria: Ambry Variant Classification Scheme 2023. Collection method: clinical testing. Allele origin: germline.

Department of Pathology and Laboratory Medicine, Sinai Health System
Classification: Uncertain significance for Dermatofibrosis lenticularis disseminata. Last evaluated: 2022-02-03. Review status: criteria provided, single submitter. Criteria: ACMG Guidelines, 2015. Collection method: research. Allele origin: germline.

Illumina Laboratory Services, Illumina
Classification: Uncertain significance for Dermatofibrosis lenticularis disseminata. Last evaluated: 2018-01-12. Review status: criteria provided, single submitter. Criteria: ICSL Variant Classification Criteria 13 December 2019. Collection method: clinical testing. Allele origin: germline.

NM_014319.5(LEMD3):c.299A>T (p.Tyr100Phe)

Genes: LEMD3 (LEM domain containing 3; plus strand), LOC130008224 (ATAC-STARR-seq lymphoblastoid silent region 4630; plus strand). Cytogenetic location: 12q14.3.
Variant type: single nucleotide variant.
Coding change: c.299A>T on transcript NM_014319.5 (MANE Select); coding-DNA position 299, A replaced by T.
Protein change: p.Tyr100Phe; replaces tyrosine 100 with phenylalanine.
Molecular consequence: missense variant.
Genome position (GRCh38, 1-based): chr12:65,169,895, A>T. VCF-style: chr12-65169895-A-T. GRCh37 (hg19) VCF-style: chr12-65563675-A-T.
Other names: c.299A>T, p.Tyr100Phe (NM_001167614.2); short protein forms Y100F.
Identifiers: ClinVar variation 881055 (VCV000881055.13), dbSNP rs768667554, ClinGen allele CA6670710.